The following is an entry in ClinVar:

NM_001127464.1:c.8857G>T

Gene: ZNF469 (zinc finger protein 469; plus strand).
Variant type: single nucleotide variant.
Identifiers: ClinVar variation 4615426 (VCV004615426.1).

ClinVar aggregate classification (germline): Uncertain significance (1 of 4 stars; one submission).

Conditions:
Cardiovascular phenotype. Identifiers: MedGen CN230736.

Submission:

Ambry Genetics
Classification: Uncertain significance for Cardiovascular phenotype. Last evaluated: 2025-10-02. Review status: criteria provided, single submitter. Criteria: Ambry Variant Classification Scheme 2023. Collection method: clinical testing. Allele origin: germline.
Comment: The p.D2953Y variant (also known as c.8857G>T), located in coding exon 2 of the ZNF469 gene, results from a G to T substitution at nucleotide position 8857. The aspartic acid at codon 2953 is replaced by tyrosine, an amino acid with highly dissimilar properties. This amino acid position is not well conserved in available vertebrate species. In addition, this alteration is predicted to be tolerated by in silico analysis. Based on the available evidence, the clinical significance of this variant remains unclear.